The following is an entry in ClinVar:

NM_024408.4(NOTCH2):c.1834T>C (p.Tyr612His)

Gene: NOTCH2 (notch receptor 2; minus strand). Cytogenetic location: 1p12.
Variant type: single nucleotide variant.
Coding change: c.1834T>C on transcript NM_024408.4 (MANE Select); coding-DNA position 1834, T replaced by C.
Protein change: p.Tyr612His; replaces tyrosine 612 with histidine.
Molecular consequence: missense variant.
Genome position (GRCh38, 1-based): chr1:119,963,655, A>G on the plus strand (T>C on the coding strand, the complement: NOTCH2 is on the minus strand). VCF-style: chr1-119963655-A-G. GRCh37 (hg19) VCF-style: chr1-120506278-A-G.
Other names: c.1834T>C, p.Tyr612His (NM_001200001.2); short protein forms Y612H.
Identifiers: ClinVar variation 2042669 (VCV002042669.4), dbSNP rs1651027849, ClinGen allele CA341872906.

ClinVar aggregate classification (germline): Uncertain significance (1 of 4 stars; one submission).

Conditions:
Hajdu-Cheney syndrome (HJCYS). Also called: SERPENTINE FIBULA-POLYCYSTIC KIDNEY SYNDROME; Acroosteolysis dominant type; ACROOSTEOLYSIS WITH OSTEOPOROSIS AND CHANGES IN SKULL AND MANDIBLE. Identifiers: Orphanet 955, MedGen C0917715, MONDO:0007057, OMIM 102500.

Allele frequency attached by ClinVar (database versions not stated): gnomAD 0.00001.
gnomAD v4.1: 1 of 1,614,066 alleles (0.000062%); highest among the groups gnomAD compares: Non-Finnish European, 0.000085%; no homozygotes.

Submission:

Labcorp Genetics (formerly Invitae), Labcorp
Classification: Uncertain significance for Hajdu-Cheney syndrome. Last evaluated: 2022-07-23. Review status: criteria provided, single submitter. Criteria: Invitae Variant Classification Sherloc (09022015). Collection method: clinical testing. Allele origin: germline.
Comment: Advanced modeling of protein sequence and biophysical properties (such as structural, functional, and spatial information, amino acid conservation, physicochemical variation, residue mobility, and thermodynamic stability) performed at Invitae indicates that this missense variant is not expected to disrupt NOTCH2 protein function. In summary, the available evidence is currently insufficient to determine the role of this variant in disease. Therefore, it has been classified as a Variant of Uncertain Significance. This variant has not been reported in the literature in individuals affected with NOTCH2-related conditions. This variant is not present in population databases (gnomAD no frequency). This sequence change replaces tyrosine, which is neutral and polar, with histidine, which is basic and polar, at codon 612 of the NOTCH2 protein (p.Tyr612His).